The following is an entry in ClinVar:

ClinVar aggregate classification (germline): Pathogenic (1 of 4 stars; one submission).

Submission:

Labcorp Genetics (formerly Invitae), Labcorp
Classification: Pathogenic. Last evaluated: 2025-11-17. Review status: criteria provided, single submitter. Criteria: Invitae Variant Classification Sherloc (09022015). Collection method: clinical testing. Allele origin: germline.
Comment: This sequence change creates a premature translational stop signal (p.Glu520Lysfs*10) in the OPA1 gene. It is expected to result in an absent or disrupted protein product. Loss-of-function variants in OPA1 are known to be pathogenic (PMID: 11440988, 20157015, 20952381, 25012220). This variant is not present in population databases (gnomAD no frequency). This variant has not been reported in the literature in individuals affected with OPA1-related conditions. For these reasons, this variant has been classified as Pathogenic.

Literature cited by the submitters: PubMed 11440988; PubMed 20157015; PubMed 20952381; PubMed 25012220.

NM_130837.3(OPA1):c.1722del (p.Glu575fs)

Gene: OPA1 (OPA1 mitochondrial dynamin like GTPase; plus strand). Cytogenetic location: 3q29.
Variant type: Deletion.
Coding change: c.1722del on transcript NM_130837.3 (MANE Select); coding-DNA position 1722, one base deleted (A; older notation c.1722delA).
Protein change: p.Glu575fs; shifts the reading frame from glutamic acid 575.
Molecular consequence: frameshift variant.
Genome position (GRCh38, 1-based): chr3:193,645,768, A deleted; the last of 2 consecutive A bases (chr3:193,645,767-193,645,768); deleting either gives the same sequence. VCF-style (leftmost placement, unchanged base first): chr3-193645766-GA-G. GRCh37 (hg19) VCF-style: chr3-193363555-GA-G.
Other names: c.1188del, p.Glu397fs (NM_001354663.2); c.1185del, p.Glu396fs (NM_001354664.2); c.1557del, p.Glu520fs (NM_015560.3); c.1449del, p.Glu484fs (NM_130831.3); c.1503del, p.Glu502fs (NM_130832.3); c.1560del, p.Glu521fs (NM_130833.3); c.1611del, p.Glu538fs (NM_130834.3); c.1614del, p.Glu539fs (NM_130835.3); and 1 more; short protein forms E538fs, E539fs, E397fs, E521fs, E396fs, E502fs, E484fs, E520fs.
Identifiers: ClinVar variation 4731368 (VCV004731368.1).